The following is an entry in ClinVar:

NM_000384.3(APOB):c.2611G>A (p.Ala871Thr)

Gene: APOB (apolipoprotein B; minus strand). Cytogenetic location: 2p24.1.
Variant type: single nucleotide variant.
Coding change: c.2611G>A on transcript NM_000384.3 (MANE Select); coding-DNA position 2611, G replaced by A.
Protein change: p.Ala871Thr; replaces alanine 871 with threonine.
Molecular consequence: missense variant.
Genome position (GRCh38, 1-based): chr2:21,023,036, C>T on the plus strand (G>A on the coding strand, the complement: APOB is on the minus strand). VCF-style: chr2-21023036-C-T. GRCh37 (hg19) VCF-style: chr2-21245908-C-T.
Other names: short protein forms A871T.
Identifiers: ClinVar variation 490388 (VCV000490388.22), dbSNP rs144622446, ClinGen allele CA056859.

ClinVar aggregate classification (germline): Conflicting classifications of pathogenicity. Review status: criteria provided, conflicting classifications (1 of 4 stars). 9 submissions from 8 submitters: Uncertain significance (5); Likely benign (3). 1 of the submissions does not count toward it. Last evaluated 2026-09-04.

Conditions:
Familial hypobetalipoproteinemia 1. Also called: Hypobetalipoproteinemia, normotriglyceridemic; Acanthocytosis with hypobetalipoproteinemia; APOB-Related Familial Hypobetalipoproteinemia. Identifiers: MedGen C4551990, MONDO:0014252, OMIM 615558.
Familial hypercholesterolemia. Also called: Familial hypercholesterolemias; Familial hypercholesterolaemia. Identifiers: MedGen C0020445, MONDO:0005439.
Hypercholesterolemia, autosomal dominant, type B (FHCL2). Also called: Familial Hypercholesterolemia Type B; Hyperlipoproteinemia Type IIb; Familial hypercholesterolemia 2; APOB-Related Familial Hypercholesterolemia, Autosomal Dominant; HYPERCHOLESTEROLEMIA, FAMILIAL, DUE TO LIGAND-DEFECTIVE APOLIPOPROTEIN B; APOLIPOPROTEIN B-100, FAMILIAL DEFECTIVE. Identifiers: MedGen C1704417, MONDO:0007751, OMIM 144010.
Cardiovascular phenotype. Identifiers: MedGen CN230736.

Allele frequency attached by ClinVar (database versions not stated): ExAC 0.00011; TOPMed 0.00012; gnomAD 0.00013; ESP Exome Variant Server 0.00015.
gnomAD v4.1: 264 of 1,613,934 alleles (0.016%); highest among the groups gnomAD compares: Non-Finnish European, 0.021%; no homozygotes.

Submissions (9):

Cambridge Genomics Laboratory, East Genomic Laboratory Hub, NHS Genomic Medicine Service
Classification: Uncertain significance for Familial hypercholesterolaemia. Last evaluated: 2026-09-04. Review status: criteria provided, single submitter. Criteria: ACGS Best Practice Guidelines for Variant Classification in Rare Disease 2020. Collection method: clinical testing. Allele origin: germline. Affected: yes.
Comment: PM2_Supporting,BS1_Strong

Ambry Genetics
Classification: Likely benign for Cardiovascular phenotype. Last evaluated: 2026-03-11. Review status: criteria provided, single submitter. Criteria: Ambry Variant Classification Scheme 2023. Collection method: clinical testing. Allele origin: germline.

Labcorp Genetics (formerly Invitae), Labcorp
Classification: Likely benign for Familial hypobetalipoproteinemia 1; Hypercholesterolemia, autosomal dominant, type B. Last evaluated: 2026-01-17. Review status: criteria provided, single submitter. Criteria: Invitae Variant Classification Sherloc (09022015). Collection method: clinical testing. Allele origin: germline.

Molecular Diagnostic Laboratory for Inherited Cardiovascular Disease, Montreal Heart Institute
Classification: Uncertain significance for Cardiovascular phenotype. Last evaluated: 2025-04-09. Review status: criteria provided, single submitter. Criteria: ACMG Guidelines, 2015. Collection method: clinical testing. Allele origin: germline. Affected: yes.

Blueprint Genetics
Classification: Likely benign. Last evaluated: 2024-08-09. Review status: criteria provided, single submitter. Criteria: ACMG Guidelines, 2015. Collection method: clinical testing. Allele origin: germline.

Fulgent Genetics
Classification: Uncertain significance for Hypercholesterolemia, autosomal dominant, type B; Familial hypobetalipoproteinemia 1. Last evaluated: 2021-07-19. Review status: criteria provided, single submitter. Criteria: ACMG Guidelines, 2015. Collection method: clinical testing. Allele origin: unknown.

Illumina Laboratory Services, Illumina
Classification: Uncertain significance for Familial hypobetalipoproteinemia 1. Last evaluated: 2017-04-27. Review status: criteria provided, single submitter. Criteria: ICSL Variant Classification Criteria 13 December 2019. Collection method: clinical testing. Allele origin: germline.

Illumina Laboratory Services, Illumina
Classification: Uncertain significance for Hypercholesterolemia, autosomal dominant, type B. Last evaluated: 2017-04-27. Review status: criteria provided, single submitter. Criteria: ICSL Variant Classification Criteria 13 December 2019. Collection method: clinical testing. Allele origin: germline.

Department of Pathology and Laboratory Medicine, Sinai Health System
Classification: Uncertain significance. Review status: no assertion criteria provided. Collection method: clinical testing. Allele origin: unknown. Affected: yes. Study: The Canadian Open Genetics Repository (COGR). Not counted in ClinVar's aggregate classification.
Comment: The APOB p.Ala871Thr variant was not identified in the literature nor was it identified in Cosmic. The variant was identified in dbSNP (ID: rs144622446), ClinVar (classified as a VUS by Color; associated condition is Familial hypercholesterolemia). The variant was also found in control databases in 32 of 282392 chromosomes at a frequency of 0.000113 (Genome Aggregation Database Feb 27, 2017) and was observed in the following populations: European (non-Finnish) in 27 of 128764 chromosomes (freq: 0.00021), African in 4 of 24948 chromosomes (freq: 0.00016) and Other in 1 of 7216 chromosomes (freq: 0.000139), while the variant was not observed in the Latino, Ashkenazi Jewish, East Asian, European (Finnish) and South Asian populations. The variant occurs outside of the splicing consensus sequence and in silico or computational prediction software programs (SpliceSiteFinder, MaxEntScan, NNSPLICE, GeneSplicer) do not predict a difference in splicing. The p.Ala871 residue is not conserved in mammals or other organisms, and none of the computational analyses (PolyPhen-2, SIFT, AlignGVGD, BLOSUM, MutationTaster) suggest a high likelihood of impact to the protein; however, this information is not predictive enough to rule out pathogenicity. In summary, based on the above information the clinical significance of this variant cannot be determined with certainty at this time. This variant is classified as a variant of uncertain significance.